The following is an entry in ClinVar:

ClinVar aggregate classification (germline): Likely benign. Review status: criteria provided, multiple submitters, no conflicts (2 of 4 stars). 2 submissions from 2 submitters: Likely benign (2). Last evaluated 2025-09-01.

Allele frequency attached by ClinVar (database versions not stated): gnomAD exomes 0.00003 and 0.00006; ExAC 0.00007; ESP Exome Variant Server 0.00008; TOPMed 0.00014; gnomAD 0.00017 and 0.00020.
gnomAD v4.1: 71 of 1,573,228 alleles (0.0045%); highest among the groups gnomAD compares: African/African-American, 0.042%; no homozygotes.

Submissions (2):

CeGaT Center for Human Genetics Tuebingen
Classification: Likely benign. Last evaluated: 2025-09-01. Review status: criteria provided, single submitter. Criteria: CeGaT Center For Human Genetics Tuebingen Variant Classification Criteria Version 2. Collection method: clinical testing. Allele origin: germline. Affected: yes. Observed: 1 variant allele.
Comment: ZNF335: BP4, BP7

Labcorp Genetics (formerly Invitae), Labcorp
Classification: Likely benign. Last evaluated: 2024-11-22. Review status: criteria provided, single submitter. Criteria: Invitae Variant Classification Sherloc (09022015). Collection method: clinical testing. Allele origin: germline.

NM_022095.4(ZNF335):c.2910C>T (p.Asp970=)

Gene: ZNF335 (zinc finger protein 335; minus strand). Cytogenetic location: 20q13.12.
Variant type: single nucleotide variant.
Coding change: c.2910C>T on transcript NM_022095.4 (MANE Select); coding-DNA position 2910, C replaced by T.
Protein change: p.Asp970=; no amino-acid change (aspartic acid 970 retained).
Molecular consequence: synonymous variant.
Genome position (GRCh38, 1-based): chr20:45,952,426, G>A on the plus strand (C>T on the coding strand, the complement: ZNF335 is on the minus strand). VCF-style: chr20-45952426-G-A. GRCh37 (hg19) VCF-style: chr20-44581065-G-A.
Identifiers: ClinVar variation 727607 (VCV000727607.15), dbSNP rs147367163, ClinGen allele CA9885208.